The following is an entry in ClinVar:

NM_002439.5(MSH3):c.1202T>C (p.Val401Ala)

Gene: MSH3 (mutS homolog 3; plus strand). Cytogenetic location: 5q14.1.
Variant type: single nucleotide variant.
Coding change: c.1202T>C on transcript NM_002439.5 (MANE Select); coding-DNA position 1202, T replaced by C.
Protein change: p.Val401Ala; replaces valine 401 with alanine.
Molecular consequence: missense variant.
Genome position (GRCh38, 1-based): chr5:80,678,955, T>C. VCF-style: chr5-80678955-T-C. GRCh37 (hg19) VCF-style: chr5-79974774-T-C.
Other names: short protein forms V401A.
Identifiers: ClinVar variation 936904 (VCV000936904.14), dbSNP rs1749902990, ClinGen allele CA360268870.

ClinVar aggregate classification (germline): Uncertain significance. Review status: criteria provided, multiple submitters, no conflicts (2 of 4 stars). 3 submissions from 3 submitters: Uncertain significance (3). Last evaluated 2025-12-24.

Conditions:
Hereditary cancer-predisposing syndrome. Also called: Tumor predisposition; Hereditary neoplastic syndrome; Hereditary Cancer Syndrome; Neoplastic Syndromes, Hereditary. Identifiers: Orphanet 140162, MedGen C0027672, MeSH D009386, MONDO:0015356.
Endometrial carcinoma. Also called: Endometrial carcinoma, somatic. Identifiers: MedGen C0476089, MONDO:0002447, OMIM 608089, HP:0012114.

Submissions (3):

Labcorp Genetics (formerly Invitae), Labcorp
Classification: Uncertain significance. Last evaluated: 2025-12-24. Review status: criteria provided, single submitter. Criteria: Invitae Variant Classification Sherloc (09022015). Collection method: clinical testing. Allele origin: germline.
Comment: This sequence change replaces valine, which is neutral and non-polar, with alanine, which is neutral and non-polar, at codon 401 of the MSH3 protein (p.Val401Ala). This variant is not present in population databases (gnomAD no frequency). This variant has not been reported in the literature in individuals affected with MSH3-related conditions. ClinVar contains an entry for this variant (Variation ID: 936904). An algorithm developed to predict the effect of missense changes on protein structure and function (PolyPhen-2) suggests that this variant is likely to be disruptive. In summary, the available evidence is currently insufficient to determine the role of this variant in disease. Therefore, it has been classified as a Variant of Uncertain Significance.

Ambry Genetics
Classification: Uncertain significance for Hereditary cancer-predisposing syndrome. Last evaluated: 2024-11-22. Review status: criteria provided, single submitter. Criteria: Ambry Variant Classification Scheme 2023. Collection method: clinical testing. Allele origin: germline.
Comment: The p.V401A variant (also known as c.1202T>C), located in coding exon 8 of the MSH3 gene, results from a T to C substitution at nucleotide position 1202. The valine at codon 401 is replaced by alanine, an amino acid with similar properties. This amino acid position is conserved. In addition, the in silico prediction for this alteration is inconclusive. Since supporting evidence is limited at this time, the clinical significance of this alteration remains unclear.

Baylor Genetics
Classification: Uncertain significance for Endometrial carcinoma. Last evaluated: 2023-06-16. Review status: criteria provided, single submitter. Criteria: ACMG Guidelines, 2015. Collection method: clinical testing. Allele origin: unknown.